The following is an entry in ClinVar:

NM_001009944.3(PKD1):c.8411G>A (p.Cys2804Tyr)

Gene: PKD1 (polycystin 1, transient receptor potential channel interacting; minus strand). Cytogenetic location: 16p13.3.
Variant type: single nucleotide variant.
Coding change: c.8411G>A on transcript NM_001009944.3 (MANE Select); coding-DNA position 8411, G replaced by A.
Protein change: p.Cys2804Tyr; replaces cysteine 2804 with tyrosine.
Molecular consequence: missense variant.
Genome position (GRCh38, 1-based): chr16:2,103,646, C>T on the plus strand (G>A on the coding strand, the complement: PKD1 is on the minus strand). VCF-style: chr16-2103646-C-T. GRCh37 (hg19) VCF-style: chr16-2153647-C-T.
Other names: c.8411G>A, p.Cys2804Tyr (NM_000296.4); short protein forms C2804Y.
Identifiers: ClinVar variation 433991 (VCV000433991.2), dbSNP rs1555451184, ClinGen allele CA394364134.

ClinVar aggregate classification (germline): Uncertain significance (0 of 4 stars; one submission).

Allele frequency attached by ClinVar (database versions not stated): gnomAD exomes below 0.00001.
gnomAD v4.1: 1 of 1,610,352 alleles (0.000062%); highest among the groups gnomAD compares: Non-Finnish European, 0.000085%; no homozygotes.

Submission:

Department of Pathology and Laboratory Medicine, Sinai Health System
Classification: Uncertain significance. Review status: no assertion criteria provided. Collection method: clinical testing. Allele origin: unknown. Affected: yes. Observed: 1 variant allele. Study: The Canadian Open Genetics Repository (COGR).
Comment: The PKD1 p.Cys2804Tyr variant was not identified in the literature nor was it identified in the dbSNP, NHLBI Exome Sequencing Project, the Exome Aggregation Consortium database (March 14 2016), Clinvitae, ClinVar, GeneInsight COGR, MutDB, ADPKD Mutation Database, PKD1-LOVD, and PKD1-LOVD 3.0 databases. The p.Cys2804 residue is conserved across mammals and other organisms, and computational analyses (PolyPhen-2, SIFT, AlignGVGD, BLOSUM, MutationTaster) all suggest that the variant may impact the protein; however, this information is not predictive enough to assume pathogenicity. The variant occurs outside of the splicing consensus sequence and in silico or computational prediction software programs (SpliceSiteFinder, MaxEntScan, NNSPLICE, GeneSplicer, HumanSpliceFinder) do not predict a difference in splicing. In summary, based on the above information, the clinical significance of this variant cannot be determined with certainty at this time. This variant is classified as a variant of uncertain significance.